The following is an entry in ClinVar:

NM_024426.6(WT1):c.1353A>C (p.Thr451=)

Gene: WT1 (WT1 transcription factor; minus strand). Cytogenetic location: 11p13.
Variant type: single nucleotide variant.
Coding change: c.1353A>C on transcript NM_024426.6 (MANE Select); coding-DNA position 1353, A replaced by C.
Protein change: p.Thr451=; no amino-acid change (threonine 451 retained).
Molecular consequence: synonymous variant. On other transcripts: non-coding transcript variant (2), intron variant (1).
Genome position (GRCh38, 1-based): chr11:32,392,667, T>G on the plus strand (A>C on the coding strand, the complement: WT1 is on the minus strand). VCF-style: chr11-32392667-T-G. GRCh37 (hg19) VCF-style: chr11-32414213-T-G.
Other names: c.1302A>C, p.Thr434= (NM_000378.6, NM_001407045.1, NM_001407049.1); c.702A>C, p.Thr234= (NM_001198551.2); c.651A>C, p.Thr217= (NM_001198552.2); c.165A>C, p.Thr55= (NM_001367854.1); c.1347A>C, p.Thr449= (NM_001407044.1); c.1353A>C, p.Thr451= (NM_001407046.1, NM_024424.5); c.1230A>C, p.Thr410= (NM_001407047.1); c.1179A>C, p.Thr393= (NM_001407050.1); and 4 more.
Identifiers: ClinVar variation 4984453 (VCV004984453.1).

ClinVar aggregate classification (germline): Likely pathogenic (1 of 4 stars; one submission).

Conditions:
WT1-related disorder. Also called: WT1-related disorders. Identifiers: MedGen CN377814.

Submission:

PreventionGenetics, part of Exact Sciences
Classification: Likely pathogenic for WT1-related condition. Last evaluated: 2024-12-19. Review status: criteria provided, single submitter. Criteria: ACMG Guidelines, 2015. Collection method: clinical testing. Allele origin: germline.
Comment: The WT1 c.1338A>C variant is not predicted to result in an amino acid change (p.=). This variant is also known as c.1353A>C (p.=) based on the most recent version of this transcript (MN_024426.6). This variant is predicted to alter the spice donor site at c.1339 based on available splicing prediction programs (Alamut Visual v2.11, SpliceAI, Jaganathan et al. 2019. PubMed ID: 30661751). Other variants disrupting this splice site have been reported as causative (Human Gene Mutation Database, HGMD). A minigene assay expressing this variant in HEK293T cells demonstrated that this variant results in the skipping of exon 9 (Internal Data, PreventionGenetics). Multiple missense variants in exon 9 have been reported in individuals with WT1 associated conditions (Lehnhardt et al. 2015. PubMed ID: 25818337; Nishi et al. 2019. PubMed ID: 30963316; Chen et al. 2023. PubMed ID: 37576146). To our knowledge, this variant has not been reported in the literature or in a large population database, indicating this variant is rare. At the time of reporting, this variant is absent in ClinVar. Based on all the available information, this variant is interpreted as likely pathogenic.